The following is an entry in ClinVar:

ClinVar aggregate classification (germline): Uncertain significance (1 of 4 stars; one submission).

Submission:

Labcorp Genetics (formerly Invitae), Labcorp
Classification: Uncertain significance. Last evaluated: 2025-03-11. Review status: criteria provided, single submitter. Criteria: Invitae Variant Classification Sherloc (09022015). Collection method: clinical testing. Allele origin: germline.
Comment: This sequence change replaces serine, which is neutral and polar, with cysteine, which is neutral and slightly polar, at codon 911 of the IGF1R protein (p.Ser911Cys). This variant is not present in population databases (gnomAD no frequency). This variant has not been reported in the literature in individuals affected with IGF1R-related conditions. Invitae Evidence Modeling of protein sequence and biophysical properties (such as structural, functional, and spatial information, amino acid conservation, physicochemical variation, residue mobility, and thermodynamic stability) indicates that this missense variant is expected to disrupt IGF1R protein function with a positive predictive value of 80%. In summary, the available evidence is currently insufficient to determine the role of this variant in disease. Therefore, it has been classified as a Variant of Uncertain Significance.

NM_000875.5(IGF1R):c.2732C>G (p.Ser911Cys)

Gene: IGF1R (insulin like growth factor 1 receptor; plus strand). Cytogenetic location: 15q26.3.
Variant type: single nucleotide variant.
Coding change: c.2732C>G on transcript NM_000875.5 (MANE Select); coding-DNA position 2732, C replaced by G.
Protein change: p.Ser911Cys; replaces serine 911 with cysteine.
Molecular consequence: missense variant.
Genome position (GRCh38, 1-based): chr15:98,924,634, C>G. VCF-style: chr15-98924634-C-G. GRCh37 (hg19) VCF-style: chr15-99467863-C-G.
Other names: c.2732C>G, p.Ser911Cys (NM_001291858.2); short protein forms S911C.
Identifiers: ClinVar variation 4804522 (VCV004804522.1).
Genomic context (GRCh38, chr15:98,924,634, plus strand): 5'-CCAAGCTAAACCGGCTAAACCCGGGGAACTACACAGCCCGGATTCAGGCCACATCTCTCT[C>G]TGGGAATGGGTCGTGGACAGATCCTGTGTTCTTCTATGTCCAGGCCAAAAGTAAGGCTTG-3'
Protein context (NP_000866.1, residues 901-921): YTARIQATSL[Ser911Cys]GNGSWTDPVF